The following is an entry in ClinVar:

ClinVar aggregate classification (germline): Uncertain significance (1 of 4 stars; one submission).

Submission:

GeneDx
Classification: Uncertain significance. Last evaluated: 2025-06-02. Review status: criteria provided, single submitter. Criteria: GeneDx Variant Classification Process June 2021. Collection method: clinical testing. Allele origin: germline.
Comment: Not observed at significant frequency in large population cohorts (gnomAD); In silico analysis suggests that this missense variant does not alter protein structure/function; Has not been previously published as pathogenic or benign to our knowledge

NM_006164.5(NFE2L2):c.196C>A (p.Gln66Lys)

Gene: NFE2L2 (NFE2 like bZIP transcription factor 2; minus strand). Cytogenetic location: 2q31.2.
Variant type: single nucleotide variant.
Coding change: c.196C>A on transcript NM_006164.5 (MANE Select); coding-DNA position 196, C replaced by A.
Protein change: p.Gln66Lys; replaces glutamine 66 with lysine.
Molecular consequence: missense variant. On other transcripts: 5 prime UTR variant (1), intron variant (1).
Genome position (GRCh38, 1-based): chr2:177,234,121, G>T on the plus strand (C>A on the coding strand, the complement: NFE2L2 is on the minus strand). VCF-style: chr2-177234121-G-T. GRCh37 (hg19) VCF-style: chr2-178098849-G-T.
Other names: c.148C>A, p.Gln50Lys (NM_001145412.3, NM_001145413.3, NM_001313900.1 and 1 more transcripts); c.196C>A, p.Gln66Lys (NM_001313902.2); c.-34C>A (NM_001313904.1); c.93+103C>A (NM_001313903.2); short protein forms Q50K, Q66K.
Identifiers: ClinVar variation 3900190 (VCV003900190.2).